The following is an entry in ClinVar:

NM_001277115.2(DNAH11):c.2769A>G (p.Ile923Met)

Gene: DNAH11 (dynein axonemal heavy chain 11; plus strand). Cytogenetic location: 7p15.3.
Variant type: single nucleotide variant.
Coding change: c.2769A>G on transcript NM_001277115.2 (MANE Select); coding-DNA position 2769, A replaced by G.
Protein change: p.Ile923Met; replaces isoleucine 923 with methionine.
Molecular consequence: missense variant.
Genome position (GRCh38, 1-based): chr7:21,599,888, A>G. VCF-style: chr7-21599888-A-G. GRCh37 (hg19) VCF-style: chr7-21639506-A-G.
Other names: c.2769A>G, p.Ile923Met (NM_003777.3); short protein forms I923M.
Identifiers: ClinVar variation 1795769 (VCV001795769.2), dbSNP rs1583516086, ClinGen allele CA366944323.

ClinVar aggregate classification (germline): Uncertain significance (1 of 4 stars; one submission).

Conditions:
Primary ciliary dyskinesia. Also called: Ciliary dyskinesia. Identifiers: Orphanet 244, MedGen C0008780, MONDO:0016575, HP:0012265.

Allele frequency attached by ClinVar (database versions not stated): gnomAD exomes below 0.00001.
gnomAD v4.1: 2 of 1,613,392 alleles (0.00012%); highest among the groups gnomAD compares: Non-Finnish European, 0.00017%; no homozygotes.

Submission:

Ambry Genetics
Classification: Uncertain significance for Primary ciliary dyskinesia. Last evaluated: 2022-01-19. Review status: criteria provided, single submitter. Criteria: Ambry Variant Classification Scheme 2023. Collection method: clinical testing. Allele origin: germline.
Comment: The p.I923M variant (also known as c.2769A>G), located in coding exon 15 of the DNAH11 gene, results from an A to G substitution at nucleotide position 2769. The isoleucine at codon 923 is replaced by methionine, an amino acid with highly similar properties. This amino acid position is conserved. In addition, this alteration is predicted to be tolerated by in silico analysis. Since supporting evidence is limited at this time, the clinical significance of this alteration remains unclear.